The following is an entry in ClinVar:

NM_001130438.3(SPTAN1):c.2869C>T (p.Arg957Trp)

Gene: SPTAN1 (spectrin alpha, non-erythrocytic 1; plus strand). Cytogenetic location: 9q34.11.
Variant type: single nucleotide variant.
Coding change: c.2869C>T on transcript NM_001130438.3 (MANE Select); coding-DNA position 2869, C replaced by T.
Protein change: p.Arg957Trp; replaces arginine 957 with tryptophan.
Molecular consequence: missense variant.
Genome position (GRCh38, 1-based): chr9:128,587,696, C>T. VCF-style: chr9-128587696-C-T. GRCh37 (hg19) VCF-style: chr9-131349975-C-T.
Other names: c.2869C>T, p.Arg957Trp (NM_001195532.2, NM_001363759.2, NM_001363765.2 and 5 more transcripts); c.2905C>T, p.Arg969Trp (NM_001375312.2, NM_001375318.1); short protein forms R957W, R969W.
Identifiers: ClinVar variation 986099 (VCV000986099.9), dbSNP rs781689993, ClinGen allele CA5264740.

ClinVar aggregate classification (germline): Uncertain significance. Review status: criteria provided, multiple submitters, no conflicts (2 of 4 stars). 2 submissions from 2 submitters: Uncertain significance (2). Last evaluated 2022-07-12.

Conditions:
Early-infantile DEE. Also called: Early infantile epileptic encephalopathy; Early infantile epileptic encephalopathy with suppression bursts; Ohtahara syndrome. Identifiers: Orphanet 1934, MedGen C0393706, MONDO:0800491.
Inborn genetic diseases. Identifiers: MedGen C0950123, MeSH D030342.

Allele frequency attached by ClinVar (database versions not stated): TOPMed 0.00001; ExAC 0.00001; gnomAD exomes 0.00001.
gnomAD v4.1: 2 of 1,613,756 alleles (0.00012%); highest among the groups gnomAD compares: African/African-American, 0.0027%; no homozygotes.

Submissions (2):

Labcorp Genetics (formerly Invitae), Labcorp
Classification: Uncertain significance for Early-infantile DEE. Last evaluated: 2022-07-12. Review status: criteria provided, single submitter. Criteria: Invitae Variant Classification Sherloc (09022015). Collection method: clinical testing. Allele origin: germline.
Comment: In summary, the available evidence is currently insufficient to determine the role of this variant in disease. Therefore, it has been classified as a Variant of Uncertain Significance. Algorithms developed to predict the effect of missense changes on protein structure and function (SIFT, PolyPhen-2, Align-GVGD) all suggest that this variant is likely to be disruptive. ClinVar contains an entry for this variant (Variation ID: 986099). This variant has not been reported in the literature in individuals affected with SPTAN1-related conditions. This sequence change replaces arginine, which is basic and polar, with tryptophan, which is neutral and slightly polar, at codon 957 of the SPTAN1 protein (p.Arg957Trp). This variant is present in population databases (rs781689993, gnomAD 0.007%).

Ambry Genetics
Classification: Uncertain significance for Inborn genetic diseases. Last evaluated: 2018-06-26. Review status: criteria provided, single submitter. Criteria: Ambry exome assertion method (8-5-2015). Collection method: clinical testing. Allele origin: germline. Affected: yes. Observed: 1 variant allele.